The following is an entry in ClinVar:

ClinVar aggregate classification (germline): Uncertain significance. Review status: criteria provided, multiple submitters, no conflicts (2 of 4 stars). 2 submissions from 2 submitters: Uncertain significance (2). Last evaluated 2025-11-03.

Conditions:
Inborn genetic diseases. Identifiers: MedGen C0950123, MeSH D030342.
Dyskeratosis congenita, autosomal dominant 6 (DKCA6). Identifiers: Orphanet 3322, MedGen C4225284, MONDO:0014690, OMIM 616553.

Allele frequency attached by ClinVar (database versions not stated): TOPMed below 0.00001; ExAC 0.00001.

Submissions (2):

Labcorp Genetics (formerly Invitae), Labcorp
Classification: Uncertain significance for Dyskeratosis congenita, autosomal dominant 6. Last evaluated: 2025-11-03. Review status: criteria provided, single submitter. Criteria: Invitae Variant Classification Sherloc (09022015). Collection method: clinical testing. Allele origin: germline.
Comment: This sequence change replaces alanine, which is neutral and non-polar, with glycine, which is neutral and non-polar, at codon 129 of the ACD protein (p.Ala129Gly). This variant is present in population databases (rs752683720, gnomAD 0.006%). This variant has not been reported in the literature in individuals affected with ACD-related conditions. ClinVar contains an entry for this variant (Variation ID: 2195811). An algorithm developed to predict the effect of missense changes on protein structure and function (PolyPhen-2) suggests that this variant is likely to be tolerated. In summary, the available evidence is currently insufficient to determine the role of this variant in disease. Therefore, it has been classified as a Variant of Uncertain Significance.

Ambry Genetics
Classification: Uncertain significance for Inborn genetic diseases. Last evaluated: 2022-11-13. Review status: criteria provided, single submitter. Criteria: Ambry Variant Classification Scheme 2023. Collection method: clinical testing. Allele origin: germline.
Comment: The p.A129G variant (also known as c.386C>G), located in coding exon 2 of the ACD gene, results from a C to G substitution at nucleotide position 386. The alanine at codon 129 is replaced by glycine, an amino acid with similar properties. This amino acid position is conserved. In addition, this alteration is predicted to be tolerated by in silico analysis. Since supporting evidence is limited at this time, the clinical significance of this alteration remains unclear.

NM_001082486.2(ACD):c.128C>G (p.Ala43Gly)

Gene: ACD (ACD shelterin complex subunit and telomerase recruitment factor; minus strand). Cytogenetic location: 16q22.1.
Variant type: single nucleotide variant.
Coding change: c.128C>G on transcript NM_001082486.2 (MANE Select); coding-DNA position 128, C replaced by G.
Protein change: p.Ala43Gly; replaces alanine 43 with glycine.
Molecular consequence: missense variant.
Genome position (GRCh38, 1-based): chr16:67,660,017, G>C on the plus strand (C>G on the coding strand, the complement: ACD is on the minus strand). VCF-style: chr16-67660017-G-C. GRCh37 (hg19) VCF-style: chr16-67693920-G-C.
Other names: c.386C>G (NM_001082486.1); c.128C>G, p.Ala43Gly (NM_001410884.1); c.119C>G, p.Ala40Gly (NM_022914.3); short protein forms A43G, A40G.
Identifiers: ClinVar variation 2195811 (VCV002195811.6), dbSNP rs752683720, ClinGen allele CA8114810.